The following is an entry in ClinVar:

NM_000302.4(PLOD1):c.250G>A (p.Ala84Thr)

Gene: PLOD1 (procollagen-lysine,2-oxoglutarate 5-dioxygenase 1; plus strand). Cytogenetic location: 1p36.22.
Variant type: single nucleotide variant.
Coding change: c.250G>A on transcript NM_000302.4 (MANE Select); coding-DNA position 250, G replaced by A.
Protein change: p.Ala84Thr; replaces alanine 84 with threonine.
Molecular consequence: missense variant.
Genome position (GRCh38, 1-based): chr1:11,949,854, G>A. VCF-style: chr1-11949854-G-A. GRCh37 (hg19) VCF-style: chr1-12009911-G-A.
Other names: c.391G>A, p.Ala131Thr (NM_001316320.2); short protein forms A84T, A131T.
Identifiers: ClinVar variation 263938 (VCV000263938.74), dbSNP rs34878020, ClinGen allele CA597845.

ClinVar aggregate classification (germline): Benign/Likely benign. Review status: criteria provided, multiple submitters, no conflicts (2 of 4 stars). 13 submissions from 13 submitters: Benign (9); Likely benign (2). 2 of the submissions do not count toward it. Last evaluated 2026-02-03.

Conditions:
Ehlers-Danlos syndrome (EDS). Identifiers: Orphanet 98249, MedGen C0013720, MONDO:0020066.
Familial thoracic aortic aneurysm and aortic dissection (TAAD). Also called: Thoracic aortic aneurysms and dissections. Identifiers: Orphanet 91387, MedGen C4707243, MONDO:0019625.
Ehlers-Danlos syndrome, kyphoscoliotic type 1 (EDSKSCL1). Also called: PLOD1-Related Kyphoscoliotic Ehlers-Danlos Syndrome; EHLERS-DANLOS SYNDROME, TYPE VIA; Ehlers-Danlos syndrome, hydroxylysine-deficient; EHLERS-DANLOS SYNDROME, OCULAR-SCOLIOTIC TYPE. Identifiers: Orphanet 1900, MedGen C0268342, MONDO:0016002, OMIM 225400. Disease mechanism: loss of function.

Allele frequency attached by ClinVar (database versions not stated): gnomAD exomes 0.01220 and 0.01367; ExAC 0.01487; gnomAD 0.02559 and 0.02621; 1000 Genomes Project 0.02736; TOPMed 0.02762; 1000 Genomes Project 30x 0.02842; ESP Exome Variant Server 0.02845.
gnomAD v4.1: 21,947 of 1,614,080 alleles (1.4%); highest among the groups gnomAD compares: African/African-American, 6.5%; 293 homozygotes.

Submissions (13):

Labcorp Genetics (formerly Invitae), Labcorp
Classification: Benign for Ehlers-Danlos syndrome, kyphoscoliotic type 1. Last evaluated: 2026-02-03. Review status: criteria provided, single submitter. Criteria: Invitae Variant Classification Sherloc (09022015). Collection method: clinical testing. Allele origin: germline.

ARUP Laboratories, Molecular Genetics and Genomics, ARUP Laboratories
Classification: Benign for Ehlers-Danlos syndrome, kyphoscoliotic type 1. Last evaluated: 2025-05-26. Review status: criteria provided, single submitter. Criteria: ARUP Molecular Germline Variant Investigation Process 2024. Collection method: clinical testing. Allele origin: germline.

Molecular Diagnostic Laboratory for Inherited Cardiovascular Disease, Montreal Heart Institute
Classification: Benign. Last evaluated: 2025-04-09. Review status: criteria provided, single submitter. Criteria: ACMG Guidelines, 2015. Collection method: clinical testing. Allele origin: germline. Affected: no.

Blueprint Genetics
Classification: Likely benign. Last evaluated: 2024-11-26. Review status: criteria provided, single submitter. Criteria: ACMG Guidelines, 2015. Collection method: clinical testing. Allele origin: germline.

Women's Health and Genetics/Laboratory Corporation of America, LabCorp
Classification: Likely benign. Last evaluated: 2023-07-21. Review status: criteria provided, single submitter. Criteria: LabCorp Variant Classification Summary - May 2015. Collection method: clinical testing. Allele origin: germline.

Genome Diagnostics Laboratory, The Hospital for Sick Children
Classification: Benign for Ehlers-Danlos syndrome. Last evaluated: 2022-07-09. Review status: criteria provided, single submitter. Criteria: ACMG Guidelines, 2015. Collection method: clinical testing. Allele origin: germline.

Mayo Clinic Laboratories, Mayo Clinic
Classification: Benign. Last evaluated: 2019-04-16. Review status: criteria provided, single submitter. Criteria: ACMG Guidelines, 2015. Collection method: clinical testing. Allele origin: germline. Observed: 116 variant alleles.

Illumina Laboratory Services, Illumina
Classification: Benign for Ehlers-Danlos syndrome, kyphoscoliotic type 1. Last evaluated: 2018-01-13. Review status: criteria provided, single submitter. Criteria: ICSL Variant Classification Criteria 13 December 2019. Collection method: clinical testing. Allele origin: germline.
Comment: This variant was observed in the ICSL laboratory as part of a predisposition screen in an ostensibly healthy population. It had not been previously curated by ICSL or reported in the Human Gene Mutation Database (HGMD: prior to June 1st, 2018), and was therefore a candidate for classification through an automated scoring system. Utilizing variant allele frequency, disease prevalence and penetrance estimates, and inheritance mode, an automated score was calculated to assess if this variant is too frequent to cause the disease. Based on the score and internal cut-off values, a variant classified as benign is not then subjected to further curation. The score for this variant resulted in a classification of benign for this disease.

GeneDx
Classification: Benign. Last evaluated: 2016-11-08. Review status: criteria provided, single submitter. Criteria: GeneDx Variant Classification (06012015). Collection method: clinical testing. Allele origin: germline. Affected: yes.
Comment: This variant is considered likely benign or benign based on one or more of the following criteria: it is a conservative change, it occurs at a poorly conserved position in the protein, it is predicted to be benign by multiple in silico algorithms, and/or has population frequency not consistent with disease.

Ambry Genetics
Classification: Benign for Familial thoracic aortic aneurysm and aortic dissection. Last evaluated: 2015-05-28. Review status: criteria provided, single submitter. Criteria: Ambry Variant Classification Scheme 2023. Collection method: clinical testing. Allele origin: germline.

Breakthrough Genomics
Classification: Benign. Review status: criteria provided, single submitter. Criteria: ACMG Guidelines, 2015. Collection method: not provided. Allele origin: germline. Inheritance: Autosomal recessive inheritance. Affected: yes.

Genome Diagnostics Laboratory, Amsterdam University Medical Center
Classification: Benign. Review status: no assertion criteria provided. Collection method: clinical testing. Allele origin: germline. Affected: yes. Study: VKGL Data-share Consensus. Not counted in ClinVar's aggregate classification.

Laboratory of Diagnostic Genome Analysis, Leiden University Medical Center (LUMC)
Classification: Likely benign. Review status: no assertion criteria provided. Collection method: clinical testing. Allele origin: germline. Affected: yes. Study: VKGL Data-share Consensus. Not counted in ClinVar's aggregate classification.